The following is an entry in ClinVar:

ClinVar aggregate classification (germline): Conflicting classifications of pathogenicity. Review status: criteria provided, conflicting classifications (1 of 4 stars). 4 submissions from 4 submitters: Uncertain significance (3); Likely benign (1). Last evaluated 2025-03-06.

Conditions:
Hereditary cancer-predisposing syndrome. Also called: Tumor predisposition; Hereditary Cancer Syndrome; Neoplastic Syndromes, Hereditary; Hereditary neoplastic syndrome. Identifiers: Orphanet 140162, MedGen C0027672, MeSH D009386, MONDO:0015356.

Allele frequency attached by ClinVar (database versions not stated): gnomAD exomes below 0.00001.
gnomAD v4.1: 1 of 1,599,172 alleles (0.000063%); highest among the groups gnomAD compares: Middle Eastern, 0.017%; no homozygotes.

Submissions (4):

Ambry Genetics
Classification: Likely benign for Hereditary cancer-predisposing syndrome. Last evaluated: 2025-03-06. Review status: criteria provided, single submitter. Criteria: Ambry Variant Classification Scheme 2023. Collection method: clinical testing. Allele origin: germline.

Center for Genomic Medicine, Rigshospitalet, Copenhagen University Hospital
Classification: Uncertain significance. Last evaluated: 2025-03-04. Review status: criteria provided, single submitter. Criteria: ACMG Guidelines, 2015. Collection method: clinical testing. Allele origin: germline.

Labcorp Genetics (formerly Invitae), Labcorp
Classification: Uncertain significance. Last evaluated: 2024-12-12. Review status: criteria provided, single submitter. Criteria: Invitae Variant Classification Sherloc (09022015). Collection method: clinical testing. Allele origin: germline.
Comment: This sequence change replaces proline, which is neutral and non-polar, with leucine, which is neutral and non-polar, at codon 338 of the POLE protein (p.Pro338Leu). This variant is not present in population databases (gnomAD no frequency). This variant has not been reported in the literature in individuals affected with POLE-related conditions. ClinVar contains an entry for this variant (Variation ID: 821987). Invitae Evidence Modeling of protein sequence and biophysical properties (such as structural, functional, and spatial information, amino acid conservation, physicochemical variation, residue mobility, and thermodynamic stability) indicates that this missense variant is not expected to disrupt POLE protein function with a negative predictive value of 80%. In summary, the available evidence is currently insufficient to determine the role of this variant in disease. Therefore, it has been classified as a Variant of Uncertain Significance.

Clinical Genetics Laboratory, Skane University Hospital Lund
Classification: Uncertain significance. Last evaluated: 2023-09-15. Review status: criteria provided, single submitter. Criteria: ACMG Guidelines, 2015. Collection method: clinical testing. Allele origin: germline. Affected: yes.

NM_006231.4(POLE):c.1013C>T (p.Pro338Leu)

Gene: POLE (DNA polymerase epsilon, catalytic subunit; minus strand). Cytogenetic location: 12q24.33.
Variant type: single nucleotide variant.
Coding change: c.1013C>T on transcript NM_006231.4 (MANE Select); coding-DNA position 1013, C replaced by T.
Protein change: p.Pro338Leu; replaces proline 338 with leucine.
Molecular consequence: missense variant.
Genome position (GRCh38, 1-based): chr12:132,676,101, G>A on the plus strand (C>T on the coding strand, the complement: POLE is on the minus strand). VCF-style: chr12-132676101-G-A. GRCh37 (hg19) VCF-style: chr12-133252687-G-A.
Other names: short protein forms P338L.
Identifiers: ClinVar variation 821987 (VCV000821987.10), dbSNP rs1593078223, ClinGen allele CA387363407.